The following is an entry in ClinVar:

ClinVar aggregate classification (germline): Uncertain significance (1 of 4 stars; one submission).

Allele frequency attached by ClinVar (database versions not stated): gnomAD exomes below 0.00001; TOPMed 0.00001.
gnomAD v4.1: 4 of 1,614,196 alleles (0.00025%); highest among the groups gnomAD compares: Non-Finnish European, 0.00034%; no homozygotes.

Submission:

Labcorp Genetics (formerly Invitae), Labcorp
Classification: Uncertain significance. Last evaluated: 2022-10-03. Review status: criteria provided, single submitter. Criteria: Invitae Variant Classification Sherloc (09022015). Collection method: clinical testing. Allele origin: germline.
Comment: In summary, the available evidence is currently insufficient to determine the role of this variant in disease. Therefore, it has been classified as a Variant of Uncertain Significance. Algorithms developed to predict the effect of missense changes on protein structure and function are either unavailable or do not agree on the potential impact of this missense change (SIFT: "Deleterious"; PolyPhen-2: "Possibly Damaging"; Align-GVGD: "Class C0"). This variant has not been reported in the literature in individuals affected with DIP2C-related conditions. This variant is present in population databases (no rsID available, gnomAD 0.0009%). This sequence change replaces valine, which is neutral and non-polar, with methionine, which is neutral and non-polar, at codon 790 of the DIP2C protein (p.Val790Met).

NM_014974.3(DIP2C):c.2368G>A (p.Val790Met)

Genes: DIP2C (DIP2 acetate--CoA ligase C (putative); minus strand), LOC126860806 (MED14-independent group 3 enhancer GRCh37_chr10:409736-410935; plus strand). Cytogenetic location: 10p15.3.
Variant type: single nucleotide variant.
Coding change: c.2368G>A on transcript NM_014974.3 (MANE Select); coding-DNA position 2368, G replaced by A.
Protein change: p.Val790Met; replaces valine 790 with methionine.
Molecular consequence: missense variant.
Genome position (GRCh38, 1-based): chr10:364,483, C>T on the plus strand (G>A on the coding strand, the complement: DIP2C is on the minus strand). VCF-style: chr10-364483-C-T. GRCh37 (hg19) VCF-style: chr10-410423-C-T.
Other names: short protein forms V790M.
Identifiers: ClinVar variation 2414434 (VCV002414434.5), dbSNP rs1436599275, ClinGen allele CA375833514.